The following is an entry in ClinVar:

ClinVar aggregate classification (germline): Uncertain significance (1 of 4 stars; one submission).

gnomAD v4.1: 1 of 1,614,178 alleles (0.000062%); highest among the groups gnomAD compares: Admixed American, 0.0017%; no homozygotes.

Submission:

Ambry Genetics
Classification: Uncertain significance. Last evaluated: 2026-03-14. Review status: criteria provided, single submitter. Criteria: Ambry Variant Classification Scheme 2023. Collection method: clinical testing. Allele origin: germline.
Comment: The p.K700I variant (also known as c.2099A>T), located in coding exon 1 of the TET2 gene, results from an A to T substitution at nucleotide position 2099. The lysine at codon 700 is replaced by isoleucine, an amino acid with dissimilar properties. This amino acid position is conserved. In addition, this alteration is predicted to be tolerated by in silico analysis. Based on the available evidence, the clinical significance of this variant remains unclear.

NM_001127208.3(TET2):c.2099A>T (p.Lys700Ile)

Genes: TET2 (tet methylcytosine dioxygenase 2; plus strand), TET2-AS1 (TET2 antisense RNA 1; minus strand). Cytogenetic location: 4q24.
Variant type: single nucleotide variant.
Coding change: c.2099A>T on transcript NM_001127208.3 (MANE Select); coding-DNA position 2099, A replaced by T.
Protein change: p.Lys700Ile; replaces lysine 700 with isoleucine.
Molecular consequence: missense variant.
Genome position (GRCh38, 1-based): chr4:105,236,041, A>T. VCF-style: chr4-105236041-A-T. GRCh37 (hg19) VCF-style: chr4-106157198-A-T.
Other names: c.2099A>T, p.Lys700Ile (NM_017628.4); short protein forms K700I.
Identifiers: ClinVar variation 4827268 (VCV004827268.1).